The following is an entry in ClinVar:

ClinVar aggregate classification (germline): Uncertain significance (1 of 4 stars; one submission).

Conditions:
Generalized epilepsy with febrile seizures plus, type 7 (GEFSP7). Also called: GEFS+, TYPE 7. Identifiers: Orphanet 36387, MedGen C2751778, MONDO:0013470, OMIM 613863.
Neuropathy, hereditary sensory and autonomic, type 2A (HSAN2A). Also called: HSAN IIA; WNK1-Related HSAN2 (HSAN2A); MORVAN DISEASE; NEUROPATHY, CONGENITAL SENSORY; NEUROPATHY, HEREDITARY SENSORY RADICULAR, AUTOSOMAL RECESSIVE; NEUROPATHY, HEREDITARY SENSORY, TYPE IIA. Identifiers: Orphanet 970, MedGen C2752089, MONDO:0024309, OMIM 201300.

gnomAD v4.1: 3 of 1,613,158 alleles (0.00019%); no homozygotes.

Submission:

Labcorp Genetics (formerly Invitae), Labcorp
Classification: Uncertain significance for Neuropathy, hereditary sensory and autonomic, type 2A; Generalized epilepsy with febrile seizures plus, type 7. Last evaluated: 2022-04-18. Review status: criteria provided, single submitter. Criteria: Invitae Variant Classification Sherloc (09022015). Collection method: clinical testing. Allele origin: germline.
Comment: In summary, the available evidence is currently insufficient to determine the role of this variant in disease. Therefore, it has been classified as a Variant of Uncertain Significance. Algorithms developed to predict the effect of missense changes on protein structure and function are either unavailable or do not agree on the potential impact of this missense change (SIFT: "Tolerated"; PolyPhen-2: "Probably Damaging"; Align-GVGD: "Class C0"). This variant has not been reported in the literature in individuals affected with SCN9A-related conditions. This variant is not present in population databases (gnomAD no frequency). This sequence change replaces proline, which is neutral and non-polar, with serine, which is neutral and polar, at codon 187 of the SCN9A protein (p.Pro187Ser).

NM_001365536.1(SCN9A):c.559C>T (p.Pro187Ser)

Gene: SCN9A (sodium voltage-gated channel alpha subunit 9; minus strand). Cytogenetic location: 2q24.3.
Variant type: single nucleotide variant.
Coding change: c.559C>T on transcript NM_001365536.1 (MANE Select); coding-DNA position 559, C replaced by T.
Protein change: p.Pro187Ser; replaces proline 187 with serine.
Molecular consequence: missense variant.
Genome position (GRCh38, 1-based): chr2:166,305,829, G>A on the plus strand (C>T on the coding strand, the complement: SCN9A is on the minus strand). VCF-style: chr2-166305829-G-A. GRCh37 (hg19) VCF-style: chr2-167162339-G-A.
Other names: c.559C>T, p.Pro187Ser (NM_002977.4); short protein forms P187S.
Identifiers: ClinVar variation 1498098 (VCV001498098.6), dbSNP rs774694132, ClinGen allele CA349095060.